The following is an entry in ClinVar:

NM_000552.5(VWF):c.7235C>A (p.Ser2412Ter)

Gene: VWF (von Willebrand factor; minus strand). Cytogenetic location: 12p13.31.
Variant type: single nucleotide variant.
Coding change: c.7235C>A on transcript NM_000552.5 (MANE Select); coding-DNA position 7235, C replaced by A.
Protein change: p.Ser2412Ter; replaces serine 2412 with a stop codon.
Molecular consequence: nonsense.
Genome position (GRCh38, 1-based): chr12:5,981,838, G>T on the plus strand (C>A on the coding strand, the complement: VWF is on the minus strand). VCF-style: chr12-5981838-G-T. GRCh37 (hg19) VCF-style: chr12-6091004-G-T.
Other names: short protein forms S2412*.
Identifiers: ClinVar variation 3572183 (VCV003572183.1).

ClinVar aggregate classification (germline): Likely pathogenic (1 of 4 stars; one submission).

Submission:

Quest Diagnostics Nichols Institute San Juan Capistrano
Classification: Likely pathogenic. Last evaluated: 2024-05-21. Review status: criteria provided, single submitter. Criteria: Quest Diagnostics criteria. Collection method: clinical testing. Allele origin: unknown.
Comment: The VWF c.7235C>A (p.Ser2412*) variant is predicted to cause the premature termination of VWF protein synthesis. This variant has not been reported in individuals with VWF-related conditions in the published literature. This variant has not been reported in large, multi-ethnic general populations (Genome Aggregation Database). Based on the available information, this variant is classified as likely pathogenic.